The following is an entry in ClinVar:

ClinVar aggregate classification (germline): Benign. Review status: criteria provided, multiple submitters, no conflicts (2 of 4 stars). 2 submissions from 2 submitters: Benign (2). Last evaluated 2018-06-18.

Allele frequency attached by ClinVar (database versions not stated): 1000 Genomes Project 0.04952; 1000 Genomes Project 30x 0.05028; TOPMed 0.08335; gnomAD 0.08401 and 0.08486; ESP Exome Variant Server 0.09027; gnomAD exomes 0.09683; ExAC 0.09747.
gnomAD v4.1: 175,944 of 1,578,228 alleles (11%); highest among the groups gnomAD compares: Middle Eastern, 20%; 11,066 homozygotes.

Submissions (2):

GeneDx
Classification: Benign. Last evaluated: 2018-06-18. Review status: criteria provided, single submitter. Criteria: GeneDx Variant Classification (06012015). Collection method: clinical testing. Allele origin: germline. Affected: yes.
Comment: This variant is considered likely benign or benign based on one or more of the following criteria: it is a conservative change, it occurs at a poorly conserved position in the protein, it is predicted to be benign by multiple in silico algorithms, and/or has population frequency not consistent with disease.

Breakthrough Genomics
Classification: Benign. Review status: criteria provided, single submitter. Criteria: ACMG Guidelines, 2015. Collection method: not provided. Allele origin: germline. Inheritance: Autosomal recessive inheritance. Affected: yes.

NM_018127.7(ELAC2):c.1520+41C>T

Gene: ELAC2 (elaC ribonuclease Z 2; minus strand). Cytogenetic location: 17p12.
Variant type: single nucleotide variant.
Coding change: c.1520+41C>T on transcript NM_018127.7 (MANE Select); 41 bases into the intron after coding-DNA position 1520, C replaced by T.
Molecular consequence: intron variant.
Genome position (GRCh38, 1-based): chr17:12,998,371, G>A on the plus strand (C>T on the coding strand, the complement: ELAC2 is on the minus strand). VCF-style: chr17-12998371-G-A. GRCh37 (hg19) VCF-style: chr17-12901688-G-A.
Other names: c.1400+41C>T (NM_001165962.2); c.1517+41C>T (NM_173717.2).
Identifiers: ClinVar variation 676213 (VCV000676213.2), dbSNP rs56405144, ClinGen allele CA8401174.